The following is an entry in ClinVar:

NM_001048174.2(MUTYH):c.914C>T (p.Ala305Val)

Gene: MUTYH (mutY DNA glycosylase; minus strand). Cytogenetic location: 1p34.1.
Variant type: single nucleotide variant.
Coding change: c.914C>T on transcript NM_001048174.2 (MANE Select); coding-DNA position 914, C replaced by T.
Protein change: p.Ala305Val; replaces alanine 305 with valine.
Molecular consequence: missense variant. On other transcripts: non-coding transcript variant (2).
Genome position (GRCh38, 1-based): chr1:45,331,849, G>A on the plus strand (C>T on the coding strand, the complement: MUTYH is on the minus strand). VCF-style: chr1-45331849-G-A. GRCh37 (hg19) VCF-style: chr1-45797521-G-A.
Other names: c.959C>T, p.Ala320Val (NM_001293190.2); c.947C>T, p.Ala316Val (NM_001293191.2); c.638C>T, p.Ala213Val (NM_001293192.2, NM_001293196.2); c.914C>T, p.Ala305Val (NM_001293195.2, NM_001048173.2, NM_001048171.2); c.569C>T, p.Ala190Val (NM_001350650.2, NM_001350651.2); c.989C>T, p.Ala330Val (NM_012222.3); c.917C>T, p.Ala306Val (NM_001048172.2); c.998C>T, p.Ala333Val (NM_001128425.2); short protein forms A190V, A213V, A305V, A306V, A316V, A320V, A330V, A333V.
Identifiers: ClinVar variation 1002430 (VCV001002430.13), dbSNP rs1374768333, ClinGen allele CA340133943.

ClinVar aggregate classification (germline): Conflicting classifications of pathogenicity. Review status: criteria provided, conflicting classifications (1 of 4 stars). 4 submissions from 4 submitters: Uncertain significance (2); Benign (1); Likely benign (1). Last evaluated 2025-11-03.

Conditions:
Hereditary cancer-predisposing syndrome. Also called: Neoplastic Syndromes, Hereditary; Hereditary Cancer Syndrome; Hereditary neoplastic syndrome; Tumor predisposition. Identifiers: Orphanet 140162, MedGen C0027672, MeSH D009386, MONDO:0015356.
Familial adenomatous polyposis 2. Also called: COLORECTAL ADENOMATOUS POLYPOSIS, AUTOSOMAL RECESSIVE; ADENOMAS, MULTIPLE COLORECTAL, AUTOSOMAL RECESSIVE; Adenomas, multiple colorectal; FAP type 2; MUTYH Polyposis; MUTYH-associated polyposis. Identifiers: Orphanet 220460, Orphanet 247798, MedGen C3272841, MONDO:0012041, OMIM 608456.

Submissions (4):

Labcorp Genetics (formerly Invitae), Labcorp
Classification: Uncertain significance for Familial adenomatous polyposis 2. Last evaluated: 2025-11-03. Review status: criteria provided, single submitter. Criteria: Invitae Variant Classification Sherloc (09022015). Collection method: clinical testing. Allele origin: germline.
Comment: This sequence change replaces alanine, which is neutral and non-polar, with valine, which is neutral and non-polar, at codon 333 of the MUTYH protein (p.Ala333Val). This variant is not present in population databases (gnomAD no frequency). This variant has not been reported in the literature in individuals affected with MUTYH-related conditions. ClinVar contains an entry for this variant (Variation ID: 1002430). An algorithm developed to predict the effect of missense changes on protein structure and function (PolyPhen-2) suggests that this variant is likely to be tolerated. In summary, the available evidence is currently insufficient to determine the role of this variant in disease. Therefore, it has been classified as a Variant of Uncertain Significance.

Ambry Genetics
Classification: Benign for Hereditary cancer-predisposing syndrome. Last evaluated: 2025-09-09. Review status: criteria provided, single submitter. Criteria: Ambry Variant Classification Scheme 2023. Collection method: clinical testing. Allele origin: germline.

Color Diagnostics, LLC DBA Color Health
Classification: Likely benign for Hereditary cancer-predisposing syndrome. Last evaluated: 2025-07-29. Review status: criteria provided, single submitter. Criteria: ACMG Guidelines, 2015. Collection method: clinical testing. Allele origin: germline.

Sema4
Classification: Uncertain significance for Hereditary cancer-predisposing syndrome. Last evaluated: 2022-02-09. Review status: criteria provided, single submitter. Criteria: Sema4 Curation Guidelines. Collection method: curation. Allele origin: germline.
Comment: The MUTYH c.998C>T(p.A333V) variant has not been reported in the literature to our knowledge. This variant is not reported in the population database Genome Aggregation Database (PMID: 32461654). The variant has been reported in ClinVar (Variation ID: 1002430). In silico tools suggest the impact of the variant on protein function is benign, though these predictions have not been confirmed by functional studies. The evidence is insufficient to meet ACMG/AMP criteria for classifying the variant as benign or pathogenic. Thus, the clinical significance of this variant is currently uncertain.